The following is an entry in ClinVar:

NM_014956.5(CEP164):c.1233+7T>C

Gene: CEP164 (centrosomal protein 164; plus strand). Cytogenetic location: 11q23.3.
Variant type: single nucleotide variant.
Coding change: c.1233+7T>C on transcript NM_014956.5 (MANE Select); 7 bases into the intron after coding-DNA position 1233, T replaced by C.
Molecular consequence: intron variant.
Genome position (GRCh38, 1-based): chr11:117,373,838, T>C. VCF-style: chr11-117373838-T-C. GRCh37 (hg19) VCF-style: chr11-117244554-T-C.
Other names: c.1233+7T>C (NM_001271933.2, NM_001440949.1, NM_001440967.1 and 16 more transcripts); c.1075-1870T>C (NM_001440972.1); c.1155+7T>C (NM_001440952.1, NM_001440987.1, NM_001440954.1 and 16 more transcripts); c.1095+7T>C (NM_001440960.1).
Identifiers: ClinVar variation 4987883 (VCV004987883.1).

ClinVar aggregate classification (germline): Likely benign (1 of 4 stars; one submission).

Conditions:
CEP164-related disorder. Also called: CEP164-related condition.

gnomAD v4.1: 4 of 1,612,816 alleles (0.00025%); highest among the groups gnomAD compares: East Asian, 0.0022%; no homozygotes.

Submission:

PreventionGenetics, part of Exact Sciences
Classification: Likely benign for CEP164-related condition. Last evaluated: 2026-03-23. Review status: criteria provided, single submitter. Criteria: ACMG Guidelines, 2015. Collection method: clinical testing. Allele origin: germline.
Comment: This variant is classified as likely benign based on ACMG/AMP sequence variant interpretation guidelines (Richards et al. 2015 PMID: 25741868, with internal and published modifications).